The following is an entry in ClinVar:

ClinVar aggregate classification (germline): Uncertain significance (1 of 4 stars; one submission).

Submission:

Labcorp Genetics (formerly Invitae), Labcorp
Classification: Uncertain significance. Last evaluated: 2022-04-15. Review status: criteria provided, single submitter. Criteria: Invitae Variant Classification Sherloc (09022015). Collection method: clinical testing. Allele origin: germline.
Comment: This sequence change replaces glycine, which is neutral and non-polar, with serine, which is neutral and polar, at codon 281 of the COL9A1 protein (p.Gly281Ser). This variant is not present in population databases (gnomAD no frequency). This variant has not been reported in the literature in individuals affected with COL9A1-related conditions. Advanced modeling of protein sequence and biophysical properties (such as structural, functional, and spatial information, amino acid conservation, physicochemical variation, residue mobility, and thermodynamic stability) performed at Invitae indicates that this missense variant is expected to disrupt COL9A1 protein function. In summary, the available evidence is currently insufficient to determine the role of this variant in disease. Therefore, it has been classified as a Variant of Uncertain Significance.

NM_001851.6(COL9A1):c.841G>A (p.Gly281Ser)

Gene: COL9A1 (collagen type IX alpha 1 chain; minus strand). Cytogenetic location: 6q13.
Variant type: single nucleotide variant.
Coding change: c.841G>A on transcript NM_001851.6 (MANE Select); coding-DNA position 841, G replaced by A.
Protein change: p.Gly281Ser; replaces glycine 281 with serine.
Molecular consequence: missense variant. On other transcripts: non-coding transcript variant (1).
Genome position (GRCh38, 1-based): chr6:70,281,425, C>T on the plus strand (G>A on the coding strand, the complement: COL9A1 is on the minus strand). VCF-style: chr6-70281425-C-T. GRCh37 (hg19) VCF-style: chr6-70991128-C-T.
Other names: c.112G>A, p.Gly38Ser (NM_001377289.1, NM_001377290.1, NM_078485.4); c.841G>A, p.Gly281Ser (NM_001377291.1); short protein forms G38S, G281S.
Identifiers: ClinVar variation 2126400 (VCV002126400.4), dbSNP rs2483459493, ClinGen allele CA364665971.
Genomic context (GRCh38, chr6:70,281,425, plus strand): 5'-AGGTGGCCTGGAGATAGAAACTTACGTCGATGCCATCGATGCCTGGAACTCCAGGGGGGC[C>T]CGGAGGCCCGGGAGGACCCTGCTCACCCGGGGGACCTCTCTGGCAAAAATAGCAGACATA-3'
Protein context (NP_001842.3, residues 271-291): PGEQGPPGPP[Gly281Ser]PPGVPGIDGI